The following is an entry in ClinVar:

ClinVar aggregate classification (germline): Benign (1 of 4 stars; one submission).

Conditions:
Multiple endocrine neoplasia, type 1 (MEN1). Also called: MEN I; WERMER SYNDROME; Endocrine adenomatosis multiple; MEN 1; MEA I. Identifiers: Orphanet 652, MedGen C0025267, MeSH D018761, MONDO:0007540, OMIM 131100.

Submission:

Myriad Genetics, Inc.
Classification: Benign for Multiple endocrine neoplasia, type 1. Last evaluated: 2024-11-04. Review status: criteria provided, single submitter. Criteria: Myriad Autosomal Dominant, Autosomal Recessive and X-Linked Classification Criteria (2023). Collection method: clinical testing. Allele origin: unknown.
Comment: This variant is considered benign. This variant is a silent/synonymous amino acid change and it is not expected to impact splicing.

NM_001370259.2(MEN1):c.1044C>T (p.Ile348=)

Gene: MEN1 (menin 1; minus strand). Cytogenetic location: 11q13.1.
Variant type: single nucleotide variant.
Coding change: c.1044C>T on transcript NM_001370259.2 (MANE Select); coding-DNA position 1044, C replaced by T.
Protein change: p.Ile348=; no amino-acid change (isoleucine 348 retained).
Molecular consequence: synonymous variant. On other transcripts: non-coding transcript variant (4).
Genome position (GRCh38, 1-based): chr11:64,806,237, G>A on the plus strand (C>T on the coding strand, the complement: MEN1 is on the minus strand). VCF-style: chr11-64806237-G-A. GRCh37 (hg19) VCF-style: chr11-64573709-G-A.
Other names: c.1059C>T, p.Ile353= (NM_000244.4, NM_001407145.1, NM_001407150.1 and 5 more transcripts); c.1044C>T, p.Ile348= (NM_001370251.2, NM_001370260.2, NM_001370261.2 and 7 more transcripts); c.939C>T, p.Ile313= (NM_001370262.2, NM_001370263.2, NM_001407148.1 and 2 more transcripts).
Identifiers: ClinVar variation 3773435 (VCV003773435.1).